The following is an entry in ClinVar:

NM_007118.4(TRIO):c.8831A>G (p.Asn2944Ser)

Gene: TRIO (trio Rho guanine nucleotide exchange factor; plus strand). Cytogenetic location: 5p15.2.
Variant type: single nucleotide variant.
Coding change: c.8831A>G on transcript NM_007118.4 (MANE Select); coding-DNA position 8831, A replaced by G.
Protein change: p.Asn2944Ser; replaces asparagine 2944 with serine.
Molecular consequence: missense variant. On other transcripts: non-coding transcript variant (1).
Genome position (GRCh38, 1-based): chr5:14,507,959, A>G. VCF-style: chr5-14507959-A-G. GRCh37 (hg19) VCF-style: chr5-14508068-A-G.
Other names: short protein forms N2944S.
Identifiers: ClinVar variation 716340 (VCV000716340.38), dbSNP rs143213427, ClinGen allele CA3207993.

ClinVar aggregate classification (germline): Benign/Likely benign. Review status: criteria provided, multiple submitters, no conflicts (2 of 4 stars). 7 submissions from 7 submitters: Benign (4); Likely benign (2). 1 of the submissions does not count toward it. Last evaluated 2026-04-01.

Conditions:
Inborn genetic diseases. Identifiers: MedGen C0950123, MeSH D030342.
TRIO-related disorder. Also called: TRIO-related condition; TRIO-related disorders.

Allele frequency attached by ClinVar (database versions not stated): gnomAD exomes 0.00035 and 0.00080; ExAC 0.00093; 1000 Genomes Project 30x 0.00172; 1000 Genomes Project 0.00180; gnomAD 0.00259 and 0.00279; ESP Exome Variant Server 0.00308; TOPMed 0.00330.
gnomAD v4.1: 932 of 1,614,222 alleles (0.058%); highest among the groups gnomAD compares: African/African-American, 0.85%; 4 homozygotes.

Submissions (7):

CeGaT Center for Human Genetics Tuebingen
Classification: Likely benign. Last evaluated: 2026-04-01. Review status: criteria provided, single submitter. Criteria: CeGaT Center For Human Genetics Tuebingen Variant Classification Criteria Version 2. Collection method: clinical testing. Allele origin: germline. Affected: yes. Observed: 5 variant alleles.
Comment: TRIO: BS1

Blueprint Genetics
Classification: Likely benign. Last evaluated: 2024-11-26. Review status: criteria provided, single submitter. Criteria: ACMG Guidelines, 2015. Collection method: clinical testing. Allele origin: germline.

Ambry Genetics
Classification: Benign for Inborn genetic diseases. Last evaluated: 2022-02-25. Review status: criteria provided, single submitter. Criteria: Ambry Variant Classification Scheme 2023. Collection method: clinical testing. Allele origin: germline.

GeneDx
Classification: Benign. Last evaluated: 2020-06-12. Review status: criteria provided, single submitter. Criteria: GeneDx Variant Classification Process June 2021. Collection method: clinical testing. Allele origin: germline. Affected: yes.

Labcorp Genetics (formerly Invitae), Labcorp
Classification: Benign. Last evaluated: 2019-12-31. Review status: criteria provided, single submitter. Criteria: Invitae Variant Classification Sherloc (09022015). Collection method: clinical testing. Allele origin: germline.

Genetic Services Laboratory, University of Chicago
Classification: Benign. Last evaluated: 2019-06-14. Review status: criteria provided, single submitter. Criteria: ACMG Guidelines, 2015. Collection method: clinical testing. Allele origin: germline. Affected: no.

PreventionGenetics, part of Exact Sciences
Classification: Benign for TRIO-related condition. Last evaluated: 2020-11-10. Review status: no assertion criteria provided. Collection method: clinical testing. Allele origin: germline. Not counted in ClinVar's aggregate classification.
Comment: This variant is classified as benign based on ACMG/AMP sequence variant interpretation guidelines (Richards et al. 2015 PMID: 25741868, with internal and published modifications).